The following is an entry in ClinVar:

NM_017564.10(STAB2):c.2397C>A (p.Cys799Ter)

Gene: STAB2 (stabilin 2; plus strand). Cytogenetic location: 12q23.3.
Variant type: single nucleotide variant.
Coding change: c.2397C>A on transcript NM_017564.10 (MANE Select); coding-DNA position 2397, C replaced by A.
Protein change: p.Cys799Ter; replaces cysteine 799 with a stop codon.
Molecular consequence: nonsense.
Genome position (GRCh38, 1-based): chr12:103,673,932, C>A. VCF-style: chr12-103673932-C-A. GRCh37 (hg19) VCF-style: chr12-104067710-C-A.
Other names: short protein forms C799*.
Identifiers: ClinVar variation 5041434 (VCV005041434.1).

ClinVar aggregate classification (germline): Uncertain significance (1 of 4 stars; one submission).

gnomAD v4.1: 1 of 1,613,598 alleles (0.000062%); highest among the groups gnomAD compares: Admixed American, 0.0017%; no homozygotes.

Submission:

CeGaT Center for Human Genetics Tuebingen
Classification: Uncertain significance. Last evaluated: 2026-09-01. Review status: criteria provided, single submitter. Criteria: CeGaT Center For Human Genetics Tuebingen Variant Classification Criteria Version 2. Collection method: clinical testing. Allele origin: germline. Affected: yes. Observed: 1 variant allele.
Comment: STAB2: PM2